The following is an entry in ClinVar:

ClinVar aggregate classification (germline): Uncertain significance (1 of 4 stars; one submission).

gnomAD v4.1: 3 of 1,613,672 alleles (0.00019%); highest among the groups gnomAD compares: South Asian, 0.0011%; no homozygotes.

Submission:

Labcorp Genetics (formerly Invitae), Labcorp
Classification: Uncertain significance. Last evaluated: 2025-08-05. Review status: criteria provided, single submitter. Criteria: Invitae Variant Classification Sherloc (09022015). Collection method: clinical testing. Allele origin: germline.
Comment: This sequence change replaces alanine, which is neutral and non-polar, with serine, which is neutral and polar, at codon 861 of the ANKRD26 protein (p.Ala861Ser). This variant is not present in population databases (gnomAD no frequency). This variant has not been reported in the literature in individuals affected with ANKRD26-related conditions. An algorithm developed to predict the effect of missense changes on protein structure and function (PolyPhen-2) suggests that this variant is likely to be tolerated. In summary, the available evidence is currently insufficient to determine the role of this variant in disease. Therefore, it has been classified as a Variant of Uncertain Significance.

NM_014915.3(ANKRD26):c.2581G>T (p.Ala861Ser)

Gene: ANKRD26 (ankyrin repeat domain 26; minus strand). Cytogenetic location: 10p12.1.
Variant type: single nucleotide variant.
Coding change: c.2581G>T on transcript NM_014915.3 (MANE Select); coding-DNA position 2581, G replaced by T.
Protein change: p.Ala861Ser; replaces alanine 861 with serine.
Molecular consequence: missense variant.
Genome position (GRCh38, 1-based): chr10:27,037,302, C>A on the plus strand (G>T on the coding strand, the complement: ANKRD26 is on the minus strand). VCF-style: chr10-27037302-C-A. GRCh37 (hg19) VCF-style: chr10-27326231-C-A.
Other names: c.2578G>T, p.Ala860Ser (NM_001256053.2); short protein forms A860S, A861S.
Identifiers: ClinVar variation 4747805 (VCV004747805.1).
Genomic context (GRCh38, chr10:27,037,302, plus strand): 5'-TGGTCAGAATTCCATCTTGTAACATTCTGGCATTCTGTTCTCGAGAAAGTTGCCTCTGAG[C>A]GTCATTTCGCTCTTGAACGACCTAGAGATACATTAAGTTTTAGGTCTATTAGCATTTTGT-3'
Protein context (NP_055730.2, residues 851-871): LNQVVQERND[Ala861Ser]QRQLSREQNA